The following is an entry in ClinVar:

ClinVar aggregate classification (germline): Uncertain significance (1 of 4 stars; one submission).

Conditions:
Hypertrophic cardiomyopathy. Also called: HYPERTROPHIC MYOCARDIOPATHY. Identifiers: Orphanet 217569, MedGen C0007194, MeSH D002312, MONDO:0005045, HP:0001639.

Submission:

All of Us Research Program, National Institutes of Health
Classification: Uncertain significance for Hypertrophic cardiomyopathy. Last evaluated: 2023-12-01. Review status: criteria provided, single submitter. Criteria: ACMG Guidelines, 2015. Collection method: clinical testing. Allele origin: germline. Inheritance: Autosomal dominant inheritance. Observed: 1 variant allele, 1 heterozygote.
Comment: This study involves interpretation of variants in research participants for the purpose of population health screening. Participant phenotype was not available at the time of variant classification. Additional details can be found in publication PMID: 35346344, PMCID: PMC8962531

NM_000258.3(MYL3):c.572A>G (p.His191Arg)

Gene: MYL3 (myosin light chain 3; minus strand). Cytogenetic location: 3p21.31.
Variant type: single nucleotide variant.
Coding change: c.572A>G on transcript NM_000258.3 (MANE Select); coding-DNA position 572, A replaced by G.
Protein change: p.His191Arg; replaces histidine 191 with arginine.
Molecular consequence: missense variant.
Genome position (GRCh38, 1-based): chr3:46,858,260, T>C on the plus strand (A>G on the coding strand, the complement: MYL3 is on the minus strand). VCF-style: chr3-46858260-T-C. GRCh37 (hg19) VCF-style: chr3-46899750-T-C.
Other names: c.572A>G, p.His191Arg (NM_001406937.1, NM_001406938.1, NM_001406939.1); c.398A>G, p.His133Arg (NM_001406940.1); c.383A>G, p.His128Arg (NM_001406941.1); short protein forms H128R, H133R, H191R.
Identifiers: ClinVar variation 3074429 (VCV003074429.1), dbSNP rs2544962722, ClinGen allele CA352495108.